The following is an entry in ClinVar:

ClinVar aggregate classification (germline): Uncertain significance (1 of 4 stars; one submission).

Conditions:
Inborn genetic diseases. Identifiers: MedGen C0950123, MeSH D030342.

gnomAD v4.1: 10 of 1,614,018 alleles (0.00062%); highest among the groups gnomAD compares: Non-Finnish European, 0.00085%; no homozygotes.

Submission:

Ambry Genetics
Classification: Uncertain significance for Inborn genetic diseases. Last evaluated: 2025-08-14. Review status: criteria provided, single submitter. Criteria: Ambry Variant Classification Scheme 2023. Collection method: clinical testing. Allele origin: germline.
Comment: The p.I525L variant (also known as c.1573A>C), located in coding exon 17 of the FANCA gene, results from an A to C substitution at nucleotide position 1573. The isoleucine at codon 525 is replaced by leucine, an amino acid with highly similar properties. This amino acid position is conserved. In addition, this alteration is predicted to be tolerated by in silico analysis. Based on the available evidence, the clinical significance of this variant remains unclear.

NM_000135.4(FANCA):c.1573A>C (p.Ile525Leu)

Gene: FANCA (FA complementation group A; minus strand). Cytogenetic location: 16q24.3.
Variant type: single nucleotide variant.
Coding change: c.1573A>C on transcript NM_000135.4 (MANE Select); coding-DNA position 1573, A replaced by C.
Protein change: p.Ile525Leu; replaces isoleucine 525 with leucine.
Molecular consequence: missense variant.
Genome position (GRCh38, 1-based): chr16:89,782,912, T>G on the plus strand (A>C on the coding strand, the complement: FANCA is on the minus strand). VCF-style: chr16-89782912-T-G. GRCh37 (hg19) VCF-style: chr16-89849320-T-G.
Other names: c.1573A>C, p.Ile525Leu (NM_001286167.3); short protein forms I525L.
Identifiers: ClinVar variation 4254288 (VCV004254288.1).